The following is an entry in ClinVar:

NM_001289104.2(PRKCSH):c.327C>T (p.Gly109=)

Gene: PRKCSH (PRKCSH beta subunit of glucosidase II; plus strand). Cytogenetic location: 19p13.2.
Variant type: single nucleotide variant.
Coding change: c.327C>T on transcript NM_001289104.2 (MANE Select); coding-DNA position 327, C replaced by T.
Protein change: p.Gly109=; no amino-acid change (glycine 109 retained).
Molecular consequence: synonymous variant.
Genome position (GRCh38, 1-based): chr19:11,438,101, C>T. VCF-style: chr19-11438101-C-T. GRCh37 (hg19) VCF-style: chr19-11548922-C-T.
Other names: c.327C>T, p.Gly109= (NM_001001329.3, NM_001289102.2, NM_001289103.2 and 3 more transcripts).
Identifiers: ClinVar variation 328170 (VCV000328170.8), dbSNP rs766039060, ClinGen allele CA9212790.

ClinVar aggregate classification (germline): Likely benign. Review status: criteria provided, multiple submitters, no conflicts (2 of 4 stars). 2 submissions from 2 submitters: Likely benign (2). Last evaluated 2023-09-24.

Conditions:
Polycystic liver disease 1 (PCLD1). Also called: Polycystic liver disease 1 with or without kidney cysts. Identifiers: Orphanet 2924, MedGen C0887850, MONDO:0008265, OMIM 174050.

Allele frequency attached by ClinVar (database versions not stated): TOPMed 0.00001; ExAC 0.00002.
gnomAD v4.1: 16 of 1,614,122 alleles (0.00099%); highest among the groups gnomAD compares: Admixed American, 0.0017%; no homozygotes.

Submissions (2):

Labcorp Genetics (formerly Invitae), Labcorp
Classification: Likely benign. Last evaluated: 2023-09-24. Review status: criteria provided, single submitter. Criteria: Invitae Variant Classification Sherloc (09022015). Collection method: clinical testing. Allele origin: germline.

Illumina Laboratory Services, Illumina
Classification: Likely benign for Polycystic liver disease 1. Last evaluated: 2018-01-13. Review status: criteria provided, single submitter. Criteria: ICSL Variant Classification Criteria 13 December 2019. Collection method: clinical testing. Allele origin: germline.
Comment: This variant was observed in the ICSL laboratory as part of a predisposition screen in an ostensibly healthy population. It had not been previously curated by ICSL or reported in the Human Gene Mutation Database (HGMD: prior to June 1st, 2018), and was therefore a candidate for classification through an automated scoring system. Utilizing variant allele frequency, disease prevalence and penetrance estimates, and inheritance mode, an automated score was calculated to assess if this variant is too frequent to cause the disease. Based on the score and internal cut-off values, a variant classified as likely benign is not then subjected to further curation. The score for this variant resulted in a classification of likely benign for this disease.